The following is an entry in ClinVar:

ClinVar aggregate classification (germline): Conflicting classifications of pathogenicity. Review status: criteria provided, conflicting classifications (1 of 4 stars). 6 submissions from 6 submitters: Uncertain significance (4); Likely benign (1). 1 of the submissions does not count toward it. Last evaluated 2026-01-22.

Conditions:
ADGRV1-related disorder. Also called: ADGRV1-related disorders; ADGRV1-related condition.
Inborn genetic diseases. Identifiers: MedGen C0950123, MeSH D030342.

Allele frequency attached by ClinVar (database versions not stated): ExAC 0.00004; gnomAD 0.00004 and 0.00005; gnomAD exomes 0.00004 and 0.00006; TOPMed 0.00005; 1000 Genomes Project 30x 0.00016; 1000 Genomes Project 0.00020.
gnomAD v4.1: 62 of 1,613,782 alleles (0.0038%); highest among the groups gnomAD compares: South Asian, 0.0099%; no homozygotes.

Submissions (6):

Labcorp Genetics (formerly Invitae), Labcorp
Classification: Likely benign. Last evaluated: 2026-01-22. Review status: criteria provided, single submitter. Criteria: Invitae Variant Classification Sherloc (09022015). Collection method: clinical testing. Allele origin: germline.

Ambry Genetics
Classification: Uncertain significance for Inborn genetic diseases. Last evaluated: 2025-11-02. Review status: criteria provided, single submitter. Criteria: Ambry Variant Classification Scheme 2023. Collection method: clinical testing. Allele origin: germline.

GeneDx
Classification: Uncertain significance. Last evaluated: 2024-08-13. Review status: criteria provided, single submitter. Criteria: GeneDx Variant Classification Process June 2021. Collection method: clinical testing. Allele origin: germline. Affected: yes.
Comment: In silico analysis indicates that this missense variant does not alter protein structure/function; Has not been previously published as pathogenic or benign to our knowledge

Blueprint Genetics
Classification: Uncertain significance. Last evaluated: 2024-05-31. Review status: criteria provided, single submitter. Criteria: ACMG Guidelines, 2015. Collection method: clinical testing. Allele origin: germline.

Genomic Diagnostic Laboratory, Division of Genomic Diagnostics, Children's Hospital of Philadelphia
Classification: Uncertain significance. Last evaluated: 2015-05-11. Review status: criteria provided, single submitter. Criteria: DGD Variant Analysis Guidelines. Collection method: clinical testing. Allele origin: unknown.

PreventionGenetics, part of Exact Sciences
Classification: Uncertain significance for ADGRV1-related condition. Last evaluated: 2024-09-06. Review status: no assertion criteria provided. Collection method: clinical testing. Allele origin: germline. Not counted in ClinVar's aggregate classification.
Comment: The ADGRV1 c.5587G>A variant is predicted to result in the amino acid substitution p.Val1863Ile. To our knowledge, this variant has not been reported in the literature. This variant is reported in 0.014% of alleles in individuals of Latino descent in gnomAD. At this time, the clinical significance of this variant is uncertain due to the absence of conclusive functional and genetic evidence.

NM_032119.4(ADGRV1):c.5587G>A (p.Val1863Ile)

Gene: ADGRV1 (adhesion G protein-coupled receptor V1; plus strand). Cytogenetic location: 5q14.3.
Variant type: single nucleotide variant.
Coding change: c.5587G>A on transcript NM_032119.4 (MANE Select); coding-DNA position 5587, G replaced by A.
Protein change: p.Val1863Ile; replaces valine 1863 with isoleucine.
Molecular consequence: missense variant. On other transcripts: non-coding transcript variant (1).
Genome position (GRCh38, 1-based): chr5:90,681,377, G>A. VCF-style: chr5-90681377-G-A. GRCh37 (hg19) VCF-style: chr5-89977194-G-A.
Other names: short protein forms V1863I.
Identifiers: ClinVar variation 218814 (VCV000218814.14), dbSNP rs529184143, ClinGen allele CA249286.
Genomic context (GRCh38, chr5:90,681,377, plus strand): 5'-AGTCTAGGAGTGGCTTCCCAAATTCTAGTGACAATTGCAGCCTCTGACCACGCTCATGGC[G>A]TATTTGAATTTAGCCCTGAGTCACTCTTTGTCAGTGGAACTGAACCAGAAGATGGGTATA-3'
Protein context (NP_115495.3, residues 1853-1873): TIAASDHAHG[Val1863Ile]FEFSPESLFV